The following is an entry in ClinVar:

ClinVar aggregate classification (germline): Conflicting classifications of pathogenicity. Review status: criteria provided, conflicting classifications (1 of 4 stars). 5 submissions from 5 submitters: Pathogenic (1); Likely pathogenic (3); Uncertain significance (1). Last evaluated 2025-07-08.

Conditions:
Nemaline myopathy. Also called: Myopathies, Nemaline. Identifiers: Orphanet 607, MedGen C0206157, MONDO:0018958.
Nemaline myopathy 2 (NEM2). Also called: Nemaline myopathy 2, autosomal recessive. Identifiers: MedGen C1850569, MONDO:0009725, OMIM 256030.
Arthrogryposis multiplex congenita 6. Identifiers: MedGen C5543431, MONDO:0030281, OMIM 619334.

Submissions (5):

Dasa
Classification: Uncertain significance. Last evaluated: 2025-07-08. Review status: criteria provided, single submitter. Criteria: DASA Assertion Criteria. Collection method: clinical testing. Allele origin: germline.
Comment: NM_001164508.2(NEB):c.22905+1del affects a canonical splice site and is predicted to disrupt normal RNA splicing. This variant is rare in population databases. The currently available literature and clinical evidence are not sufficient to establish a definitive association between this variant and the reported condition. Therefore, this variant is classified as a variant of uncertain significance.

Broad Center for Mendelian Genomics, Broad Institute of MIT and Harvard
Classification: Likely pathogenic for Nemaline myopathy. Last evaluated: 2025-03-03. Review status: criteria provided, single submitter. Criteria: ACMG Guidelines, 2015. Collection method: curation. Allele origin: germline. Inheritance: Autosomal recessive inheritance.
Comment: The c.22905+1del variant in NEB has not been previously reported in the literature in individuals with nemaline myopathy, but has been identified in 0.0003% (3/1170066) of European (non-Finnish) chromosomes by the Genome Aggregation Database (gnomAD; dbSNP ID: rs771740564). Although this variant has been seen in the general population in a heterozygous state, its frequency is low enough to be consistent with a recessive carrier frequency. This variant has also been reported in ClinVar (Variation ID: 1075629) and has been interpreted as pathogenic by Invitae. This variant is located in the 5' splice region. SpliceAI predictions indicate use of an out-of-frame cryptic splice site 2 bases from the intron-exon boundary, providing evidence that this variant may cause a frameshift and lead to a premature termination codon downstream. This alteration is then predicted to lead to a truncated or absent protein. However, this information is not predictive enough to determine pathogenicity. Loss of function of the NEB gene is an established disease mechanism in autosomal recessive nemaline myopathy. In summary, although additional studies are required to fully establish its clinical significance, this variant is likely pathogenic for autosomal recessive nemaline myopathy. ACMG/AMP Criteria applied: PVS1, PM2_supporting (Richards 2015).

Natera, Inc.
Classification: Likely pathogenic for Nemaline myopathy type 2. Last evaluated: 2024-12-03. Review status: criteria provided, single submitter. Criteria: Natera Variant Classification Schema (03/2026). Collection method: clinical testing. Allele origin: germline.
Comment: The c.23010+1del variant in NEB is a canonical splice donor site variant predicted to affect pre-mRNA splicing, which may result in an abnormal transcript and altered protein product. This variant is expected to result in nonsense mediated decay, truncation, or a dysfunctional protein product. This variant is rare in the general population with a frequency below the threshold expected for the associated phenotype(s). Given the available evidence, this variant is classified as Likely Pathogenic.

Fulgent Genetics
Classification: Likely pathogenic for Nemaline myopathy 2; Arthrogryposis multiplex congenita 6. Last evaluated: 2024-05-07. Review status: criteria provided, single submitter. Criteria: ACMG Guidelines, 2015. Collection method: clinical testing. Allele origin: germline.

Labcorp Genetics (formerly Invitae), Labcorp
Classification: Pathogenic for Nemaline myopathy 2. Last evaluated: 2023-06-09. Review status: criteria provided, single submitter. Criteria: Invitae Variant Classification Sherloc (09022015). Collection method: clinical testing. Allele origin: germline.
Comment: This variant is also known as c.23010+1del. This sequence change creates a premature translational stop signal (p.Glu7672Asnfs*15) in the NEB gene. It is expected to result in an absent or disrupted protein product. Loss-of-function variants in NEB are known to be pathogenic (PMID: 25205138). This variant is not present in population databases (gnomAD no frequency). This variant has not been reported in the literature in individuals affected with NEB-related conditions. ClinVar contains an entry for this variant (Variation ID: 1075629). Algorithms developed to predict the effect of sequence changes on RNA splicing suggest that this variant may disrupt the consensus splice site. For these reasons, this variant has been classified as Pathogenic.

Literature cited by the submitters: PubMed 25205138 (cited by Labcorp Genetics (formerly Invitae), Labcorp).

NM_001164508.2(NEB):c.22905+1del

Genes: RIF1 (replication timing regulatory factor 1; plus strand), NEB (nebulin; minus strand). Cytogenetic location: 2q23.3.
Variant type: Deletion.
Coding change: c.22905+1del on transcript NM_001164508.2 (MANE Select); the canonical splice donor site of the intron after coding-DNA position 22905, one base deleted (G; older notation c.22905+1delG).
Molecular consequence: splice donor variant.
Genome position (GRCh38, 1-based): chr2:151,516,458, C deleted on the plus strand (G on the coding strand, the reverse complement: NEB is on the minus strand); the first of 4 consecutive C bases (chr2:151,516,458-151,516,461); deleting any one gives the same sequence. VCF-style (leftmost placement, unchanged base first): chr2-151516457-AC-A. GRCh37 (hg19) VCF-style: chr2-152372971-AC-A.
Other names: c.17802+1del (NM_004543.5); c.22905+1del (NM_001164507.2); c.23010+1del (NM_001271208.2, NM_001271208.1).
Identifiers: ClinVar variation 1075629 (VCV001075629.12), dbSNP rs771740564, ClinGen allele CA1906505.